The following is an entry in ClinVar:

ClinVar aggregate classification (germline): Conflicting classifications of pathogenicity. Review status: criteria provided, conflicting classifications (1 of 4 stars). 8 submissions from 8 submitters: Uncertain significance (4); Benign (1); Likely benign (2). 1 of the submissions does not count toward it. Last evaluated 2026-01-26.

Conditions:
Familial colorectal cancer type X. Identifiers: Orphanet 440437, MedGen C3896578, MONDO:0018604.
Polymerase proofreading-related adenomatous polyposis. Also called: Polymerase proofreading associated polyposis; Polymerase proofreading–associated polyposis (PPAP). Identifiers: Orphanet 447877, MedGen C5202613, MONDO:0018653.
Hereditary cancer-predisposing syndrome. Also called: Neoplastic Syndromes, Hereditary; Tumor predisposition; Hereditary Cancer Syndrome; Hereditary neoplastic syndrome. Identifiers: Orphanet 140162, MedGen C0027672, MeSH D009386, MONDO:0015356.
POLE-related disorder. Also called: POLE-related disorders; POLE-related condition.

Allele frequency attached by ClinVar (database versions not stated): TOPMed 0.00001; gnomAD exomes 0.00009 and 0.00023; ExAC 0.00024; 1000 Genomes Project 30x 0.00031; 1000 Genomes Project 0.00040.
gnomAD v4.1: 153 of 1,613,912 alleles (0.0095%); highest among the groups gnomAD compares: South Asian, 0.14%; no homozygotes.

Submissions (8):

Labcorp Genetics (formerly Invitae), Labcorp
Classification: Likely benign. Last evaluated: 2026-01-26. Review status: criteria provided, single submitter. Criteria: Invitae Variant Classification Sherloc (09022015). Collection method: clinical testing. Allele origin: germline.

GeneDx
Classification: Uncertain significance. Last evaluated: 2025-09-28. Review status: criteria provided, single submitter. Criteria: GeneDx Variant Classification Process June 2021. Collection method: clinical testing. Allele origin: germline. Affected: yes.
Comment: In silico analysis supports that this missense variant has a deleterious effect on protein structure/function; Has not been previously published as pathogenic or benign to our knowledge; This variant is associated with the following publications: (PMID: 31308508)

Center for Genomic Medicine, Rigshospitalet, Copenhagen University Hospital
Classification: Uncertain significance. Last evaluated: 2025-03-04. Review status: criteria provided, single submitter. Criteria: ACMG Guidelines, 2015. Collection method: clinical testing. Allele origin: germline.

Revvity Omics, Revvity
Classification: Uncertain significance. Last evaluated: 2023-11-16. Review status: criteria provided, single submitter. Criteria: ACMG Guidelines, 2015. Collection method: clinical testing. Allele origin: germline.

Ambry Genetics
Classification: Likely benign for Hereditary cancer-predisposing syndrome. Last evaluated: 2022-10-17. Review status: criteria provided, single submitter. Criteria: Ambry Variant Classification Scheme 2023. Collection method: clinical testing. Allele origin: germline.

Department of Pathology and Laboratory Medicine, Sinai Health System
Classification: Uncertain significance for Polymerase proofreading-related adenomatous polyposis; Familial colorectal cancer type X. Last evaluated: 2022-04-21. Review status: criteria provided, single submitter. Criteria: ACMG Guidelines, 2015. Collection method: clinical testing. Allele origin: germline. Affected: yes.

Quest Diagnostics Nichols Institute San Juan Capistrano
Classification: Benign. Last evaluated: 2020-04-08. Review status: criteria provided, single submitter. Criteria: Quest Diagnostics criteria. Collection method: clinical testing. Allele origin: unknown.

PreventionGenetics, part of Exact Sciences
Classification: Likely benign for POLE-related condition. Last evaluated: 2022-06-27. Review status: no assertion criteria provided. Collection method: clinical testing. Allele origin: germline. Not counted in ClinVar's aggregate classification.
Comment: This variant is classified as likely benign based on ACMG/AMP sequence variant interpretation guidelines (Richards et al. 2015 PMID: 25741868, with internal and published modifications).

Literature cited by the submitters: PubMed 31308508 (cited by Quest Diagnostics Nichols Institute San Juan Capistrano).

NM_006231.4(POLE):c.761C>T (p.Pro254Leu)

Gene: POLE (DNA polymerase epsilon, catalytic subunit; minus strand). Cytogenetic location: 12q24.33.
Variant type: single nucleotide variant.
Coding change: c.761C>T on transcript NM_006231.4 (MANE Select); coding-DNA position 761, C replaced by T.
Protein change: p.Pro254Leu; replaces proline 254 with leucine.
Molecular consequence: missense variant.
Genome position (GRCh38, 1-based): chr12:132,677,403, G>A on the plus strand (C>T on the coding strand, the complement: POLE is on the minus strand). VCF-style: chr12-132677403-G-A. GRCh37 (hg19) VCF-style: chr12-133253989-G-A.
Other names: c.761C>T (NM_006231.2); short protein forms P254L.
Identifiers: ClinVar variation 473829 (VCV000473829.33), dbSNP rs200211438, ClinGen allele CA6894195.